The following is an entry in ClinVar:

NM_000037.4(ANK1):c.4034dup (p.Ala1346fs)

Gene: ANK1 (ankyrin 1; minus strand). Cytogenetic location: 8p11.21.
Variant type: Duplication.
Coding change: c.4034dup on transcript NM_000037.4 (MANE Select); coding-DNA position 4034, one base duplicated (A; older notation c.4034dupA).
Protein change: p.Ala1346fs; shifts the reading frame from alanine 1346.
Molecular consequence: frameshift variant.
Genome position (GRCh38, 1-based): chr8:41,690,297, T duplicated on the plus strand (A on the coding strand, the reverse complement: ANK1 is on the minus strand); the first of 2 consecutive T bases (chr8:41,690,297-41,690,298); duplicating either gives the same sequence. VCF-style (leftmost placement, unchanged base first): chr8-41690296-C-CT. GRCh37 (hg19) VCF-style: chr8-41547814-C-CT.
Other names: c.4157dup, p.Ala1387fs (NM_001142446.2); c.4034dup, p.Ala1346fs (NM_020475.3, NM_020476.3, NM_020477.3); short protein forms A1346fs, A1387fs.
Identifiers: ClinVar variation 3722120 (VCV003722120.2).

ClinVar aggregate classification (germline): Pathogenic (1 of 4 stars; one submission).

Submission:

Labcorp Genetics (formerly Invitae), Labcorp
Classification: Pathogenic. Last evaluated: 2024-10-03. Review status: criteria provided, single submitter. Criteria: Invitae Variant Classification Sherloc (09022015). Collection method: clinical testing. Allele origin: germline.
Comment: This sequence change creates a premature translational stop signal (p.Ala1346Glyfs*30) in the ANK1 gene. It is expected to result in an absent or disrupted protein product. Loss-of-function variants in ANK1 are known to be pathogenic (PMID: 8640229). This variant is not present in population databases (gnomAD no frequency). This variant has not been reported in the literature in individuals affected with ANK1-related conditions. For these reasons, this variant has been classified as Pathogenic.

Literature cited by the submitters: PubMed 8640229.